The following is an entry in ClinVar:

NM_004525.3(LRP2):c.2642C>T (p.Ala881Val)

Gene: LRP2 (LDL receptor related protein 2; minus strand). Cytogenetic location: 2q31.1.
Variant type: single nucleotide variant.
Coding change: c.2642C>T on transcript NM_004525.3 (MANE Select); coding-DNA position 2642, C replaced by T.
Protein change: p.Ala881Val; replaces alanine 881 with valine.
Molecular consequence: missense variant.
Genome position (GRCh38, 1-based): chr2:169,256,234, G>A on the plus strand (C>T on the coding strand, the complement: LRP2 is on the minus strand). VCF-style: chr2-169256234-G-A. GRCh37 (hg19) VCF-style: chr2-170112744-G-A.
Other names: short protein forms A881V.
Identifiers: ClinVar variation 1992680 (VCV001992680.4), dbSNP rs2528424521, ClinGen allele CA349155682.
Genomic context (GRCh38, chr2:169,256,234, plus strand): 5'-CCATCAAAGGTGCTGTGCTCAATTTTATCAAAATAGGCATCTACCCAGTACAATCGTGAA[G>A]CACTAAAATAATAAAATATTTAGTTATCTCTTATCCAAAAACTATCAGAGCACCCTTTAC-3'
Protein context (NP_004516.2, residues 871-891): WPNGLAIDWA[Ala881Val]SRLYWVDAYF

ClinVar aggregate classification (germline): Uncertain significance (1 of 4 stars; one submission).

Submission:

Labcorp Genetics (formerly Invitae), Labcorp
Classification: Uncertain significance. Last evaluated: 2024-11-04. Review status: criteria provided, single submitter. Criteria: Invitae Variant Classification Sherloc (09022015). Collection method: clinical testing. Allele origin: germline.
Comment: This sequence change replaces alanine, which is neutral and non-polar, with valine, which is neutral and non-polar, at codon 881 of the LRP2 protein (p.Ala881Val). This variant is not present in population databases (gnomAD no frequency). This variant has not been reported in the literature in individuals affected with LRP2-related conditions. ClinVar contains an entry for this variant (Variation ID: 1992680). An algorithm developed to predict the effect of missense changes on protein structure and function (PolyPhen-2) suggests that this variant is likely to be tolerated. In summary, the available evidence is currently insufficient to determine the role of this variant in disease. Therefore, it has been classified as a Variant of Uncertain Significance.